The following is an entry in ClinVar:

ClinVar aggregate classification (germline): Uncertain significance. Review status: criteria provided, multiple submitters, no conflicts (2 of 4 stars). 2 submissions from 2 submitters: Uncertain significance (2). Last evaluated 2025-06-06.

Conditions:
Intellectual developmental disorder, X-linked 99. Also called: Intellectual disability, X-linked 99. Identifiers: Orphanet 777, MedGen C3806746, MONDO:0010487, OMIM 300919.

Allele frequency attached by ClinVar (database versions not stated): gnomAD exomes 0.00001 and 0.00002; TOPMed 0.00001.
gnomAD v4.1: 17 of 1,209,988 alleles (0.0014%); highest among the groups gnomAD compares: Non-Finnish European, 0.0019%; no homozygotes.

Submissions (2):

GeneDx
Classification: Uncertain significance. Last evaluated: 2025-06-06. Review status: criteria provided, single submitter. Criteria: GeneDx Variant Classification Process June 2021. Collection method: clinical testing. Allele origin: germline. Affected: yes.
Comment: Stop codon loss and change to an arginine codon, leading to protein extension and the addition of 5 amino acids at the C-terminus; Has not been previously published as pathogenic or benign to our knowledge

Victorian Clinical Genetics Services, Murdoch Childrens Research Institute
Classification: Uncertain significance for Intellectual developmental disorder, X-linked 99. Last evaluated: 2021-05-06. Review status: criteria provided, single submitter. Criteria: ACMG Guidelines, 2015. Collection method: clinical testing. Allele origin: germline.
Comment: Based on the classification scheme VCGS_Germline_v1.3.4, this variant is classified as VUS-3B. Following criteria are met: 0102 - Loss of function is a known mechanism of disease in this gene and is associated with X-linked mental retardation-99 (MIM#300919) and female-restricted X-linked syndromic mental retardation-99 (MIM#300968). (I) 0109 - This gene is associated with X-linked recessive and X-linked dominant disease. Partial loss of function missense variants are thought to result in X-linked recessive disease, affecting predominantly males. Variants resulting in a premature termination codon or a more complete loss of function appear to be restricted to females in an X-linked dominant pattern of inheritance (PMID: 31443933, PMID: 26833328). (I) 0208 - Variant is predicted to result in an elongated protein. This stop-loss variant affects a nucleotide in the stop codon resulting in an extension of 5 amino acids. (SP) 0251 - This variant is heterozygous. (I) 0304 - Variant is present in gnomAD <0.01 for a recessive condition (v2: 1 heterozygote, 0 homozygotes, 0 hemizygotes). (SP) 0604 - Variant is not located in an established domain, motif, hotspot or informative constraint region. (I) 0705 - No comparable variants have previous evidence for pathogenicity. (I) 0807 - This variant has no previous evidence of pathogenicity. (I) 0905 - No published segregation evidence has been identified for this variant. (I) 1007 - No published functional evidence has been identified for this variant. (I) Legend: (SP) - Supporting pathogenic, (I) - Information, (SB) - Supporting benign

Literature cited by the submitters: PubMed 26833328 (cited by Victorian Clinical Genetics Services, Murdoch Childrens Research Institute); PubMed 31443933 (cited by Victorian Clinical Genetics Services, Murdoch Childrens Research Institute).

NM_001039591.3(USP9X):c.7663T>C (p.Ter2555Arg)

Gene: USP9X (ubiquitin specific peptidase 9 X-linked; plus strand). Cytogenetic location: Xp11.4.
Variant type: single nucleotide variant.
Coding change: c.7663T>C on transcript NM_001039591.3 (MANE Select); coding-DNA position 7663, T replaced by C.
Protein change: p.Ter2555Arg.
Molecular consequence: stop lost.
Genome position (GRCh38, 1-based): chrX:41,232,522, T>C. VCF-style: chrX-41232522-T-C. GRCh37 (hg19) VCF-style: chrX-41091775-T-C.
Other names: c.7711T>C (NM_001039590.2); c.7711T>C, p.Ter2571Arg (NM_001039590.3).
Identifiers: ClinVar variation 1699125 (VCV001699125.5), dbSNP rs1186325484, ClinGen allele CA412755073.